The following is an entry in ClinVar:

ClinVar aggregate classification (germline): Uncertain significance (1 of 4 stars; one submission).

Allele frequency attached by ClinVar (database versions not stated): gnomAD exomes below 0.00001.
gnomAD v4.1: 1 of 1,614,004 alleles (0.000062%); highest among the groups gnomAD compares: Non-Finnish European, 0.000085%; no homozygotes.

Submission:

Labcorp Genetics (formerly Invitae), Labcorp
Classification: Uncertain significance. Last evaluated: 2022-04-20. Review status: criteria provided, single submitter. Criteria: Invitae Variant Classification Sherloc (09022015). Collection method: clinical testing. Allele origin: germline.
Comment: In summary, the available evidence is currently insufficient to determine the role of this variant in disease. Therefore, it has been classified as a Variant of Uncertain Significance. Algorithms developed to predict the effect of missense changes on protein structure and function are either unavailable or do not agree on the potential impact of this missense change (SIFT: "Deleterious"; PolyPhen-2: "Possibly Damaging"; Align-GVGD: "Class C0"). This variant has not been reported in the literature in individuals affected with MFSD2A-related conditions. This variant is not present in population databases (gnomAD no frequency). This sequence change replaces methionine, which is neutral and non-polar, with leucine, which is neutral and non-polar, at codon 350 of the MFSD2A protein (p.Met350Leu).

NM_032793.5(MFSD2A):c.1009A>T (p.Met337Leu)

Gene: MFSD2A (MFSD2 lysolipid transporter A, lysophospholipid; plus strand). Cytogenetic location: 1p34.2.
Variant type: single nucleotide variant.
Coding change: c.1009A>T on transcript NM_032793.5 (MANE Select); coding-DNA position 1009, A replaced by T.
Protein change: p.Met337Leu; replaces methionine 337 with leucine.
Molecular consequence: missense variant. On other transcripts: non-coding transcript variant (1).
Genome position (GRCh38, 1-based): chr1:39,967,167, A>T. VCF-style: chr1-39967167-A-T. GRCh37 (hg19) VCF-style: chr1-40432839-A-T.
Other names: c.1048A>T, p.Met350Leu (NM_001136493.3); c.541A>T, p.Met181Leu (NM_001287808.2); c.892A>T, p.Met298Leu (NM_001287809.2); c.1003A>T, p.Met335Leu (NM_001349821.2); c.1009A>T, p.Met337Leu (NM_001349822.2); c.664A>T, p.Met222Leu (NM_001349823.2); short protein forms M181L, M335L, M298L, M337L, M350L, M222L.
Identifiers: ClinVar variation 2122645 (VCV002122645.4), dbSNP rs139686611, ClinGen allele CA339837710.